The following is an entry in ClinVar:

NM_017739.4(POMGNT1):c.1919C>T (p.Thr640Ile)

Genes: POMGNT1 (protein O-linked mannose N-acetylglucosaminyltransferase 1 (beta 1,2-); minus strand), TSPAN1 (tetraspanin 1; plus strand). Cytogenetic location: 1p34.1.
Variant type: single nucleotide variant.
Coding change: c.1919C>T on transcript NM_017739.4 (MANE Select); coding-DNA position 1919, C replaced by T.
Protein change: p.Thr640Ile; replaces threonine 640 with isoleucine.
Molecular consequence: missense variant. On other transcripts: synonymous variant (1), intron variant (1).
Genome position (GRCh38, 1-based): chr1:46,189,334, G>A on the plus strand (C>T on the coding strand, the complement: POMGNT1 is on the minus strand). VCF-style: chr1-46189334-G-A. GRCh37 (hg19) VCF-style: chr1-46655006-G-A.
Other names: c.1893C>T, p.His631= (NM_001243766.2); c.1853C>T, p.Thr618Ile (NM_001290129.3); c.1490C>T, p.Thr497Ile (NM_001290130.2); c.1895+124C>T (NM_001410783.1); short protein forms T497I, T618I, T640I.
Identifiers: ClinVar variation 661391 (VCV000661391.5), dbSNP rs748799436, ClinGen allele CA833189.

ClinVar aggregate classification (germline): Uncertain significance. Review status: criteria provided, multiple submitters, no conflicts (2 of 4 stars). 2 submissions from 2 submitters: Uncertain significance (2). Last evaluated 2022-02-24.

Conditions:
Autosomal recessive limb-girdle muscular dystrophy type 2O. Also called: Limb-Girdle Muscular Dystrophy Type 3C; MUSCULAR DYSTROPHY-DYSTROGLYCANOPATHY, LIMB-GIRDLE, POMGNT1-RELATED; MUSCULAR DYSTROPHY-DYSTROGLYCANOPATHY (LIMB-GIRDLE), TYPE C, 3. Identifiers: Orphanet 206564, MedGen C3150417, MONDO:0013161, OMIM 613157.
Muscular dystrophy-dystroglycanopathy (congenital with impaired intellectual development), type B, 3. Also called: Muscular dystrophy-dystroglycanopathy (congenital with intellectual disability), type B3; MUSCULAR DYSTROPHY, CONGENITAL, POMGNT1-RELATED. Identifiers: MedGen C3150412, MONDO:0013155, OMIM 613151.

Allele frequency attached by ClinVar (database versions not stated): gnomAD exomes below 0.00001; ExAC 0.00001.
gnomAD v4.1: 3 of 1,613,878 alleles (0.00019%); highest among the groups gnomAD compares: South Asian, 0.0011%; no homozygotes.

Submissions (2):

Labcorp Genetics (formerly Invitae), Labcorp
Classification: Uncertain significance for Autosomal recessive limb-girdle muscular dystrophy type 2O; Muscular dystrophy-dystroglycanopathy (congenital with impaired intellectual development), type B, 3. Last evaluated: 2022-02-24. Review status: criteria provided, single submitter. Criteria: Invitae Variant Classification Sherloc (09022015). Collection method: clinical testing. Allele origin: germline.
Comment: This sequence change replaces threonine, which is neutral and polar, with isoleucine, which is neutral and non-polar, at codon 640 of the POMGNT1 protein (p.Thr640Ile). This variant is present in population databases (rs748799436, gnomAD 0.003%). This variant has not been reported in the literature in individuals affected with POMGNT1-related conditions. ClinVar contains an entry for this variant (Variation ID: 661391). Advanced modeling of protein sequence and biophysical properties (such as structural, functional, and spatial information, amino acid conservation, physicochemical variation, residue mobility, and thermodynamic stability) performed at Invitae indicates that this missense variant is not expected to disrupt POMGNT1 protein function. In summary, the available evidence is currently insufficient to determine the role of this variant in disease. Therefore, it has been classified as a Variant of Uncertain Significance.

Blueprint Genetics
Classification: Uncertain significance. Last evaluated: 2017-10-10. Review status: criteria provided, single submitter. Criteria: ACMG Guidelines, 2015. Collection method: clinical testing. Allele origin: germline.